The following is an entry in ClinVar:

ClinVar aggregate classification (germline): Likely pathogenic (1 of 4 stars; one submission).

Conditions:
Ehlers-Danlos syndrome, type 4 (EDSVASC). Also called: Ehlers-Danlos syndrome vascular type; Ehlers Danlos syndrome, ecchymotic type; Ehlers Danlos syndrome, arterial type; Ehlers Danlos syndrome, Sack-Barabas type; Ehlers-Danlos Syndrome Type IV. Identifiers: Orphanet 286, MedGen C0268338, MONDO:0017314, OMIM 130050.

Submission:

Labcorp Genetics (formerly Invitae), Labcorp
Classification: Likely pathogenic for Ehlers-Danlos syndrome, type 4. Last evaluated: 2023-03-26. Review status: criteria provided, single submitter. Criteria: Invitae Variant Classification Sherloc (09022015). Collection method: clinical testing. Allele origin: germline.
Comment: This sequence change affects an acceptor splice site in intron 36 of the COL3A1 gene. It is expected to disrupt RNA splicing. Variants that disrupt the donor or acceptor splice site typically lead to a loss of protein function (PMID: 16199547), and loss-of-function variants in COL3A1 are known to be pathogenic (PMID: 24922459). This variant is not present in population databases (gnomAD no frequency). Disruption of this splice site has been observed in individual(s) with Ehlers-Danlos syndrome (Invitae). Algorithms developed to predict the effect of sequence changes on RNA splicing suggest that this variant may disrupt the consensus splice site. In summary, the currently available evidence indicates that the variant is pathogenic, but additional data are needed to prove that conclusively. Therefore, this variant has been classified as Likely Pathogenic.

Literature cited by the submitters: PubMed 16199547; PubMed 24922459.

NM_000090.4(COL3A1):c.2554-2A>G

Gene: COL3A1 (collagen type III alpha 1 chain; plus strand). Cytogenetic location: 2q32.2.
Variant type: single nucleotide variant.
Coding change: c.2554-2A>G on transcript NM_000090.4 (MANE Select); the canonical splice acceptor site of the intron before coding-DNA position 2554, A replaced by G.
Molecular consequence: splice acceptor variant.
Genome position (GRCh38, 1-based): chr2:189,003,409, A>G. VCF-style: chr2-189003409-A-G. GRCh37 (hg19) VCF-style: chr2-189868135-A-G.
Identifiers: ClinVar variation 2849504 (VCV002849504.3), dbSNP rs2469152092, ClinGen allele CA349843421.